The following is an entry in ClinVar:

ClinVar aggregate classification (germline): Uncertain significance (1 of 4 stars; one submission).

Allele frequency attached by ClinVar (database versions not stated): gnomAD 0.00001; gnomAD exomes 0.00001.

Submission:

Labcorp Genetics (formerly Invitae), Labcorp
Classification: Uncertain significance. Last evaluated: 2022-12-18. Review status: criteria provided, single submitter. Criteria: Invitae Variant Classification Sherloc (09022015). Collection method: clinical testing. Allele origin: germline.
Comment: In summary, the available evidence is currently insufficient to determine the role of this variant in disease. Therefore, it has been classified as a Variant of Uncertain Significance. Algorithms developed to predict the effect of sequence changes on RNA splicing suggest that this variant may create or strengthen a splice site. Advanced modeling of protein sequence and biophysical properties (such as structural, functional, and spatial information, amino acid conservation, physicochemical variation, residue mobility, and thermodynamic stability) performed at Invitae indicates that this missense variant is not expected to disrupt ROM1 protein function. This variant has not been reported in the literature in individuals affected with ROM1-related conditions. This variant is present in population databases (rs745780445, gnomAD 0.003%). This sequence change replaces arginine, which is basic and polar, with cysteine, which is neutral and slightly polar, at codon 229 of the ROM1 protein (p.Arg229Cys).

NM_000327.4(ROM1):c.685C>T (p.Arg229Cys)

Gene: ROM1 (retinal outer segment membrane protein 1; plus strand). Cytogenetic location: 11q12.3.
Variant type: single nucleotide variant.
Coding change: c.685C>T on transcript NM_000327.4 (MANE Select); coding-DNA position 685, C replaced by T.
Protein change: p.Arg229Cys; replaces arginine 229 with cysteine.
Molecular consequence: missense variant.
Genome position (GRCh38, 1-based): chr11:62,614,352, C>T. VCF-style: chr11-62614352-C-T. GRCh37 (hg19) VCF-style: chr11-62381824-C-T.
Other names: short protein forms R229C.
Identifiers: ClinVar variation 2720539 (VCV002720539.3), dbSNP rs745780445, ClinGen allele CA223036147.